The following is an entry in ClinVar:

ClinVar aggregate classification (germline): Benign/Likely benign. Review status: criteria provided, multiple submitters, no conflicts (2 of 4 stars). 8 submissions from 5 submitters: Benign (5); Likely benign (2). 1 of the submissions does not count toward it. Last evaluated 2025-05-18.

Conditions:
Dilated cardiomyopathy 1G (CMD1G). Identifiers: Orphanet 154, MedGen C1858763, MONDO:0011400, OMIM 604145.
Autosomal recessive limb-girdle muscular dystrophy type 2J (LGMDR10). Also called: Limb-girdle muscular dystrophy, type 2J; MUSCULAR DYSTROPHY, LIMB-GIRDLE, AUTOSOMAL RECESSIVE 10. Identifiers: Orphanet 140922, MedGen C1837342, MONDO:0012127, OMIM 608807.
Cardiovascular phenotype. Identifiers: MedGen CN230736.
Myopathy, myofibrillar, 9, with early respiratory failure (MFM9). Also called: EDSTROM MYOPATHY; MYOPATHY, PROXIMAL, WITH EARLY RESPIRATORY MUSCLE INVOLVEMENT; Hereditary myopathy with early respiratory failure; Myopathy, distal, with early respiratory failure, autosomal dominant. Identifiers: Orphanet 178464, Orphanet 34521, MedGen C1863599, MONDO:0011362, OMIM 603689.
Early-onset myopathy with fatal cardiomyopathy (CMYO5). Also called: Salih Myopathy; CONGENITAL MYOPATHY 5 WITH CARDIOMYOPATHY. Identifiers: Orphanet 289377, MedGen C2673677, MONDO:0012714, OMIM 611705. Disease mechanism: loss of function.
Tibial muscular dystrophy (TMD). Also called: Udd Distal Myopathy – Tibial Muscular Dystrophy; UDD MYOPATHY; Tibial muscular dystrophy, tardive. Identifiers: Orphanet 609, MedGen C1838244, MONDO:0010870, OMIM 600334.
TTN-related disorder. Also called: TTN-related disorders; TTN-related condition; TTN-related disease.

Allele frequency attached by ClinVar (database versions not stated): ExAC 0.00002; gnomAD exomes 0.00002; TOPMed 0.00002; gnomAD 0.00004 and 0.00005; 1000 Genomes Project 30x 0.00047; 1000 Genomes Project 0.00060.
gnomAD v4.1: 24 of 1,613,722 alleles (0.0015%); highest among the groups gnomAD compares: East Asian, 0.016%; no homozygotes.

Submissions (8):

Labcorp Genetics (formerly Invitae), Labcorp
Classification: Likely benign for Dilated cardiomyopathy 1G; Autosomal recessive limb-girdle muscular dystrophy type 2J. Last evaluated: 2025-05-18. Review status: criteria provided, single submitter. Criteria: Invitae Variant Classification Sherloc (09022015). Collection method: clinical testing. Allele origin: germline.

Genome-Nilou Lab
Classification: Benign for Autosomal recessive limb-girdle muscular dystrophy type 2J. Last evaluated: 2021-09-10. Review status: criteria provided, single submitter. Criteria: ACMG Guidelines, 2015. Collection method: clinical testing. Allele origin: germline. Affected: no.

Genome-Nilou Lab
Classification: Benign for Myopathy, myofibrillar, 9, with early respiratory failure. Last evaluated: 2021-09-10. Review status: criteria provided, single submitter. Criteria: ACMG Guidelines, 2015. Collection method: clinical testing. Allele origin: germline. Affected: no.

Genome-Nilou Lab
Classification: Benign for Early-onset myopathy with fatal cardiomyopathy. Last evaluated: 2021-09-10. Review status: criteria provided, single submitter. Criteria: ACMG Guidelines, 2015. Collection method: clinical testing. Allele origin: germline. Affected: no.

Genome-Nilou Lab
Classification: Benign for Tibial muscular dystrophy. Last evaluated: 2021-09-10. Review status: criteria provided, single submitter. Criteria: ACMG Guidelines, 2015. Collection method: clinical testing. Allele origin: germline. Affected: no.

Athena Diagnostics
Classification: Benign. Last evaluated: 2020-09-24. Review status: criteria provided, single submitter. Criteria: Athena Diagnostics criteria. Collection method: clinical testing. Allele origin: unknown.

Ambry Genetics
Classification: Likely benign for Cardiovascular phenotype. Last evaluated: 2019-09-06. Review status: criteria provided, single submitter. Criteria: Ambry Variant Classification Scheme 2023. Collection method: clinical testing. Allele origin: germline.

PreventionGenetics, part of Exact Sciences
Classification: Likely benign for TTN-related condition. Last evaluated: 2022-06-08. Review status: no assertion criteria provided. Collection method: clinical testing. Allele origin: germline. Not counted in ClinVar's aggregate classification.
Comment: This variant is classified as likely benign based on ACMG/AMP sequence variant interpretation guidelines (Richards et al. 2015 PMID: 25741868, with internal and published modifications).

NM_001267550.2(TTN):c.13089C>T (p.Pro4363=)

Gene: TTN (titin; minus strand). Cytogenetic location: 2q31.2.
Variant type: single nucleotide variant.
Coding change: c.13089C>T on transcript NM_001267550.2 (MANE Select); coding-DNA position 13089, C replaced by T.
Protein change: p.Pro4363=; no amino-acid change (proline 4363 retained).
Molecular consequence: synonymous variant. On other transcripts: intron variant (1).
Genome position (GRCh38, 1-based): chr2:178,740,144, G>A on the plus strand (C>T on the coding strand, the complement: TTN is on the minus strand). VCF-style: chr2-178740144-G-A. GRCh37 (hg19) VCF-style: chr2-179604871-G-A.
Other names: c.12138C>T, p.Pro4046= (NM_001256850.1); c.12000C>T, p.Pro4000= (NM_003319.4); c.12375C>T, p.Pro4125= (NM_133432.3); c.12576C>T, p.Pro4192= (NM_133437.4); c.10361-1784C>T (NM_133378.4).
Identifiers: ClinVar variation 1159085 (VCV001159085.16), dbSNP rs555324138, ClinGen allele CA2002623.